The following is an entry in ClinVar:

NM_000059.4(BRCA2):c.4409_4410del (p.Ile1470fs)

Gene: BRCA2 (BRCA2 DNA repair associated; plus strand). Cytogenetic location: 13q13.1.
Variant type: Deletion.
Coding change: c.4409_4410del on transcript NM_000059.4 (MANE Select); coding-DNA positions 4409 to 4410, 2 bases deleted (TA; older notation c.4409_4410delTA).
Protein change: p.Ile1470fs; shifts the reading frame from isoleucine 1470.
Molecular consequence: frameshift variant.
Genome position (GRCh38, 1-based): chr13:32,338,764-32,338,765, TA deleted; deleting any 2 consecutive bases within chr13:32,338,763-32,338,765 gives the same sequence; the c. name uses the placement nearest the transcript's 3' end. VCF-style (leftmost placement, unchanged base first): chr13-32338762-CAT-C. GRCh37 (hg19) VCF-style: chr13-32912899-CAT-C.
Other names: 4637delTA; c.4409_4410delTA (NM_000059.3, NM_000059.4); short protein forms I1470fs.
Identifiers: ClinVar variation 51642 (VCV000051642.25), dbSNP rs80359446, ClinGen allele CA020106.
Genomic context (GRCh38, chr13:32,338,762, plus strand): 5'-CTTTGATCAGAAACCAGAAGAATTGCATAACTTTTCCTTAAATTCTGAATTACATTCTGA[CAT>C]AAGAAAGAACAAAATGGACATTCTAAGTTATGAGGAAACAGACATAGTTAAACACAAAAT-3'

ClinVar aggregate classification (germline): Pathogenic. Review status: reviewed by expert panel (3 of 4 stars). 9 submissions from 9 submitters: Pathogenic (1). 8 of the submissions do not count toward it. Last evaluated 2016-09-08.

Conditions:
Hereditary cancer-predisposing syndrome. Also called: Neoplastic Syndromes, Hereditary; Tumor predisposition; Hereditary neoplastic syndrome; Hereditary Cancer Syndrome. Identifiers: Orphanet 140162, MedGen C0027672, MeSH D009386, MONDO:0015356.
Hereditary breast ovarian cancer syndrome. Also called: Hereditary breast and ovarian cancer syndrome (HBOC); Hereditary breast and ovarian cancer syndrome; Breast and ovarian cancer; Hereditary breast and ovarian cancer; Hereditary breast and/or ovarian cancer syndrome; BRCA1- and BRCA2-Associated Hereditary Breast and Ovarian Cancer. Identifiers: Orphanet 145, MedGen C0677776, MeSH D061325, MONDO:0003582. Disease mechanism: loss of function.
Breast-ovarian cancer, familial, susceptibility to, 2 (BROVCA2). Also called: BRCA2 Hereditary Breast and Ovarian Cancer. Identifiers: Orphanet 145, MedGen C2675520, MONDO:0012933, OMIM 612555. Disease mechanism: loss of function.

Submissions (9):

Evidence-based Network for the Interpretation of Germline Mutant Alleles (ENIGMA)
Classification: Pathogenic for Breast-ovarian cancer, familial, susceptibility to, 2. Last evaluated: 2016-09-08. Review status: reviewed by expert panel. Criteria: ENIGMA BRCA1/2 Classification Criteria (2015). Collection method: curation. Allele origin: germline.
Comment: Variant allele predicted to encode a truncated non-functional protein.

Women's Health and Genetics/Laboratory Corporation of America, LabCorp
Classification: Pathogenic for Hereditary breast ovarian cancer syndrome. Last evaluated: 2025-12-14. Review status: criteria provided, single submitter. Criteria: LabCorp Variant Classification Summary - May 2015. Collection method: clinical testing. Allele origin: germline. Not counted in ClinVar's aggregate classification.
Comment: Variant summary: BRCA2 c.4409_4410delTA (p.Ile1470LysfsX11) results in a premature termination codon, predicted to cause a truncation of the encoded protein or absence of the protein due to nonsense mediated decay, which are commonly known mechanisms for disease. The variant was absent in 248584 control chromosomes. c.4409_4410delTA has been observed in individual(s) affected with Hereditary Breast And Ovarian Cancer Syndrome (example: Konstantopoulou_2008, Movassagh_2017, vanderHout_HM_2006). These data indicate that the variant may be associated with disease. The following publications have been ascertained in the context of this evaluation (PMID: 17453335, 28538113, 16683254). ClinVar contains an entry for this variant (Variation ID: 51642). Based on the evidence outlined above, the variant was classified as pathogenic.

Quest Diagnostics Nichols Institute San Juan Capistrano
Classification: Pathogenic. Last evaluated: 2025-06-02. Review status: criteria provided, single submitter. Criteria: Quest Diagnostics criteria. Collection method: clinical testing. Allele origin: unknown. Not counted in ClinVar's aggregate classification.
Comment: The BRCA2 c.4409_4410del (p.Ile1470Lysfs*11) variant alters the translational reading frame of the BRCA2 mRNA and causes the premature termination of BRCA2 protein synthesis. This variant has been reported in the published literature in individuals with breast (PMID: 31300551 (2020)), ovarian (PMID: 36367610 (2023)) and genitourinary cancer (PMID: 36451132 (2022)). This variant has not been reported in large, multi-ethnic general populations (Genome Aggregation Database). Based on the available information, this variant is classified as pathogenic.

Labcorp Genetics (formerly Invitae), Labcorp
Classification: Pathogenic for Hereditary breast ovarian cancer syndrome. Last evaluated: 2025-02-18. Review status: criteria provided, single submitter. Criteria: Invitae Variant Classification Sherloc (09022015). Collection method: clinical testing. Allele origin: germline. Not counted in ClinVar's aggregate classification.
Comment: This sequence change creates a premature translational stop signal (p.Ile1470Lysfs*11) in the BRCA2 gene. It is expected to result in an absent or disrupted protein product. Loss-of-function variants in BRCA2 are known to be pathogenic (PMID: 20104584). This variant is present in population databases (rs777816486, gnomAD 0.0009%). This premature translational stop signal has been observed in individual(s) with breast cancer (PMID: 17453335, 28538113). This variant is also known as 4637delTA. ClinVar contains an entry for this variant (Variation ID: 51642). For these reasons, this variant has been classified as Pathogenic.

Ambry Genetics
Classification: Pathogenic for Hereditary cancer-predisposing syndrome. Last evaluated: 2023-11-13. Review status: criteria provided, single submitter. Criteria: Ambry Variant Classification Scheme 2023. Collection method: clinical testing. Allele origin: germline. Not counted in ClinVar's aggregate classification.
Comment: The c.4409_4410delTA pathogenic mutation, located in coding exon 10 of the BRCA2 gene, results from a deletion of two nucleotides at nucleotide positions 4409 to 4410, causing a translational frameshift with a predicted alternate stop codon (p.I1470Kfs*11). This mutation has been identified in multiple kindreds with suspected hereditary breast and ovarian cancer syndrome (van der Hout AH et al. Hum. Mutat. 2006 Jul;27:654-66; Konstantopoulou I et al. Breast Cancer Res. Treat. 2008 Feb;107:431-41). In addition to the clinical data presented in the literature, this alteration is expected to result in loss of function by premature protein truncation or nonsense-mediated mRNA decay. As such, this alteration is interpreted as a disease-causing mutation.

GeneDx
Classification: Pathogenic. Last evaluated: 2022-08-10. Review status: criteria provided, single submitter. Criteria: GeneDx Variant Classification Process June 2021. Collection method: clinical testing. Allele origin: germline. Not counted in ClinVar's aggregate classification.
Comment: Frameshift variant predicted to result in protein truncation or nonsense mediated decay in a gene for which loss-of-function is a known mechanism of disease; Observed in individuals with BRCA2-related cancers (Konstantopoulou et al., 2008; Lu et al., 2015; Huang et al., 2018); Not observed at significant frequency in large population cohorts (gnomAD); Truncating variants in this gene are considered pathogenic by a well-established clinical consortium and/or database; Also known as 4637_4638delTA; This variant is associated with the following publications: (PMID: 16683254, 26689913, 29625052, 17453335, 30720243, 28538113)

Genetics and Molecular Pathology, SA Pathology
Classification: Pathogenic for Breast-ovarian cancer, familial, susceptibility to, 2. Last evaluated: 2021-05-28. Review status: criteria provided, single submitter. Criteria: ACMG Guidelines, 2015. Collection method: clinical testing. Allele origin: germline. Affected: yes. Not counted in ClinVar's aggregate classification.

Color Diagnostics, LLC DBA Color Health
Classification: Pathogenic for Hereditary cancer-predisposing syndrome. Last evaluated: 2020-01-15. Review status: criteria provided, single submitter. Criteria: ACMG Guidelines, 2015. Collection method: clinical testing. Allele origin: germline. Not counted in ClinVar's aggregate classification.
Comment: This variant deletes 2 nucleotides in exon 11 of the BRCA2 gene, creating a frameshift and premature translation stop signal. This variant is expected to result in an absent or non-functional protein product. This variant has been identified in 1/243686 chromosomes in the general population by the Genome Aggregation Database (gnomAD). Loss of BRCA2 function is a known mechanism of disease. Based on the available evidence, this variant is classified as Pathogenic.

Breast Cancer Information Core (BIC) (BRCA2)
Classification: Pathogenic for Breast-ovarian cancer, familial 2. Review status: no assertion criteria provided. Collection method: clinical testing. Allele origin: germline. Affected: yes. Observed: 1 variant allele. Not counted in ClinVar's aggregate classification.

Literature cited by the submitters: PubMed 17453335 (cited by 3 submitters); PubMed 16683254 (cited by Women's Health and Genetics/Laboratory Corporation of America, LabCorp and Ambry Genetics); PubMed 28538113 (cited by Women's Health and Genetics/Laboratory Corporation of America, LabCorp and Labcorp Genetics (formerly Invitae), Labcorp); PubMed 36367610 (cited by Quest Diagnostics Nichols Institute San Juan Capistrano); PubMed 36451132 (cited by Quest Diagnostics Nichols Institute San Juan Capistrano); PubMed 31300551 (cited by Quest Diagnostics Nichols Institute San Juan Capistrano); PubMed 20104584 (cited by Labcorp Genetics (formerly Invitae), Labcorp); PubMed 29922827 (cited by Ambry Genetics).